The following is an entry in ClinVar:

ClinVar aggregate classification (germline): Uncertain significance (1 of 4 stars; one submission).

Conditions:
Parkinson disease 17 (PARK17). Also called: VPS35-Related Parkinson Disease. Identifiers: Orphanet 411602, MedGen C3280133, MONDO:0013625, OMIM 614203.

Submission:

Labcorp Genetics (formerly Invitae), Labcorp
Classification: Uncertain significance for Parkinson disease 17. Last evaluated: 2025-07-29. Review status: criteria provided, single submitter. Criteria: Invitae Variant Classification Sherloc (09022015). Collection method: clinical testing. Allele origin: germline.
Comment: This sequence change replaces asparagine, which is neutral and polar, with serine, which is neutral and polar, at codon 708 of the VPS35 protein (p.Asn708Ser). This variant is present in population databases (rs375501847, gnomAD 0.003%). This variant has not been reported in the literature in individuals affected with VPS35-related conditions. Invitae Evidence Modeling of protein sequence and biophysical properties (such as structural, functional, and spatial information, amino acid conservation, physicochemical variation, residue mobility, and thermodynamic stability) indicates that this missense variant is not expected to disrupt VPS35 protein function with a negative predictive value of 80%. In summary, the available evidence is currently insufficient to determine the role of this variant in disease. Therefore, it has been classified as a Variant of Uncertain Significance.

NM_018206.6(VPS35):c.2123A>G (p.Asn708Ser)

Gene: VPS35 (VPS35 retromer complex component; minus strand). Cytogenetic location: 16q11.2.
Variant type: single nucleotide variant.
Coding change: c.2123A>G on transcript NM_018206.6 (MANE Select); coding-DNA position 2123, A replaced by G.
Protein change: p.Asn708Ser; replaces asparagine 708 with serine.
Molecular consequence: missense variant.
Genome position (GRCh38, 1-based): chr16:46,661,806, T>C on the plus strand (A>G on the coding strand, the complement: VPS35 is on the minus strand). VCF-style: chr16-46661806-T-C. GRCh37 (hg19) VCF-style: chr16-46695718-T-C.
Other names: short protein forms N708S.
Identifiers: ClinVar variation 4806417 (VCV004806417.1).